The following is an entry in ClinVar:

GRCh38/hg38 Xp11.23(chrX:47820327-48344725)x3

Genes: SPACA5 (sperm acrosome associated 5; plus strand), SPACA5B (sperm acrosome associated 5B; plus strand), SSX1 (SSX family member 1; plus strand), SSX5 (SSX family member 5; minus strand), ZNF182 (zinc finger protein 182; minus strand) and 8 more. Cytogenetic location: Xp11.23.
Variant type: copy number gain.
Change: copy number 3 of chrX:47,820,327-48,344,725 (524.4 kb, GRCh38 coordinates, 1-based), cytogenetic band Xp11.23.
Identifiers: ClinVar variation 144121 (VCV000144121.1).

ClinVar aggregate classification (germline): Uncertain significance (1 of 4 stars; one submission).

Submission:

ISCA site 4
Classification: Uncertain significance. Last evaluated: 2011-08-12. Review status: criteria provided, single submitter. Criteria: Kaminsky et al. (Genet Med. 2011). Collection method: clinical testing. Allele origin: maternal. Affected: yes. Observed: 1 variant allele.
Comment: Copy number variation identified through the course of routine clinical cytogenomic testing in postnatal populations. Clinical assertions have been curated as described in Kaminsky et al. 2011.